The following is an entry in ClinVar:

NM_000784.4(CYP27A1):c.538G>A (p.Glu180Lys)

Gene: CYP27A1 (cytochrome P450 family 27 subfamily A member 1; plus strand). Cytogenetic location: 2q35.
Variant type: single nucleotide variant.
Coding change: c.538G>A on transcript NM_000784.4 (MANE Select); coding-DNA position 538, G replaced by A.
Protein change: p.Glu180Lys; replaces glutamic acid 180 with lysine.
Molecular consequence: missense variant.
Genome position (GRCh38, 1-based): chr2:218,812,313, G>A. VCF-style: chr2-218812313-G-A. GRCh37 (hg19) VCF-style: chr2-219677036-G-A.
Other names: short protein forms E180K.
Identifiers: ClinVar variation 1468036 (VCV001468036.5), dbSNP rs1943725580, ClinGen allele CA350585093.

ClinVar aggregate classification (germline): Uncertain significance (1 of 4 stars; one submission).

Conditions:
Cholestanol storage disease (CTX). Also called: Cerebrotendinous Xanthomatosis; CEREBRAL CHOLESTERINOSIS; CTX: Cerebrotendinous xanthomatosis. Identifiers: Orphanet 909, MedGen C0238052, MONDO:0008948, OMIM 213700.

Allele frequency attached by ClinVar (database versions not stated): TOPMed below 0.00001.

Submission:

Labcorp Genetics (formerly Invitae), Labcorp
Classification: Uncertain significance for Cholestanol storage disease. Last evaluated: 2022-07-25. Review status: criteria provided, single submitter. Criteria: Invitae Variant Classification Sherloc (09022015). Collection method: clinical testing. Allele origin: germline.
Comment: This sequence change replaces glutamic acid, which is acidic and polar, with lysine, which is basic and polar, at codon 180 of the CYP27A1 protein (p.Glu180Lys). This variant is not present in population databases (gnomAD no frequency). This variant has not been reported in the literature in individuals affected with CYP27A1-related conditions. ClinVar contains an entry for this variant (Variation ID: 1468036). Advanced modeling of protein sequence and biophysical properties (such as structural, functional, and spatial information, amino acid conservation, physicochemical variation, residue mobility, and thermodynamic stability) performed at Invitae indicates that this missense variant is not expected to disrupt CYP27A1 protein function. In summary, the available evidence is currently insufficient to determine the role of this variant in disease. Therefore, it has been classified as a Variant of Uncertain Significance.